The following is an entry in ClinVar:

ClinVar aggregate classification (germline): Uncertain significance (1 of 4 stars; one submission).

Conditions:
Ehlers-Danlos syndrome, classic type, 1 (EDSCL1). Also called: Ehlers-Danlos Syndrome, Classic Type, COL5A1-Related; EHLERS-DANLOS SYNDROME, GRAVIS TYPE; EHLERS-DANLOS SYNDROME, SEVERE CLASSIC TYPE; Ehlers-Danlos syndrome, type 1; EDS I. Identifiers: MedGen C0268335, MONDO:0019567, OMIM 130000.

gnomAD v4.1: 2 of 1,614,216 alleles (0.00012%); highest among the groups gnomAD compares: Admixed American, 0.0017%; no homozygotes.

Submission:

Labcorp Genetics (formerly Invitae), Labcorp
Classification: Uncertain significance for Ehlers-Danlos syndrome, classic type, 1. Last evaluated: 2023-09-08. Review status: criteria provided, single submitter. Criteria: Invitae Variant Classification Sherloc (09022015). Collection method: clinical testing. Allele origin: germline.
Comment: This sequence change replaces glutamic acid, which is acidic and polar, with aspartic acid, which is acidic and polar, at codon 359 of the COL5A1 protein (p.Glu359Asp). This variant is not present in population databases (gnomAD no frequency). In summary, the available evidence is currently insufficient to determine the role of this variant in disease. Therefore, it has been classified as a Variant of Uncertain Significance. Advanced modeling of protein sequence and biophysical properties (such as structural, functional, and spatial information, amino acid conservation, physicochemical variation, residue mobility, and thermodynamic stability) performed at Invitae indicates that this missense variant is not expected to disrupt COL5A1 protein function. ClinVar contains an entry for this variant (Variation ID: 2179133). This variant has not been reported in the literature in individuals affected with COL5A1-related conditions.

NM_000093.5(COL5A1):c.1077G>C (p.Glu359Asp)

Gene: COL5A1 (collagen type V alpha 1 chain; plus strand). Cytogenetic location: 9q34.3.
Variant type: single nucleotide variant.
Coding change: c.1077G>C on transcript NM_000093.5 (MANE Select); coding-DNA position 1077, G replaced by C.
Protein change: p.Glu359Asp; replaces glutamic acid 359 with aspartic acid.
Molecular consequence: missense variant.
Genome position (GRCh38, 1-based): chr9:134,730,388, G>C. VCF-style: chr9-134730388-G-C. GRCh37 (hg19) VCF-style: chr9-137622234-G-C.
Other names: c.1077G>C, p.Glu359Asp (NM_001278074.1); short protein forms E359D.
Identifiers: ClinVar variation 2179133 (VCV002179133.4), dbSNP rs201166370, ClinGen allele CA375449865.
Genomic context (GRCh38, chr9:134,730,388, plus strand): 5'-CTACGTGCCCAGTGAGGACTACTACACGCCCTCACCGTATGATGACCTCACCTATGGCGA[G>C]GGGGAGGAGAACCCCGACCAGCCCACAGACCCAGGCGCTGGGGCCGAAATTCCCACCAGC-3'
Protein context (NP_000084.3, residues 349-369): PSPYDDLTYG[Glu359Asp]GEENPDQPTD